The following is an entry in ClinVar:

ClinVar aggregate classification (germline): Uncertain significance (1 of 4 stars; one submission).

Allele frequency attached by ClinVar (database versions not stated): gnomAD exomes below 0.00001.
gnomAD v4.1: 1 of 1,614,198 alleles (0.000062%); highest among the groups gnomAD compares: Non-Finnish European, 0.000085%; no homozygotes.

Submission:

Labcorp Genetics (formerly Invitae), Labcorp
Classification: Uncertain significance. Last evaluated: 2023-10-03. Review status: criteria provided, single submitter. Criteria: Invitae Variant Classification Sherloc (09022015). Collection method: clinical testing. Allele origin: germline.
Comment: This sequence change replaces threonine, which is neutral and polar, with isoleucine, which is neutral and non-polar, at codon 278 of the SEC61A1 protein (p.Thr278Ile). This variant is not present in population databases (gnomAD no frequency). This variant has not been reported in the literature in individuals affected with SEC61A1-related conditions. ClinVar contains an entry for this variant (Variation ID: 1993475). Advanced modeling of protein sequence and biophysical properties (such as structural, functional, and spatial information, amino acid conservation, physicochemical variation, residue mobility, and thermodynamic stability) performed at Invitae indicates that this missense variant is not expected to disrupt SEC61A1 protein function. In summary, the available evidence is currently insufficient to determine the role of this variant in disease. Therefore, it has been classified as a Variant of Uncertain Significance.

NM_013336.4(SEC61A1):c.833C>T (p.Thr278Ile)

Genes: RUVBL1 (RuvB like AAA ATPase 1; minus strand), SEC61A1 (SEC61 translocon subunit alpha 1; plus strand). Cytogenetic location: 3q21.3.
Variant type: single nucleotide variant.
Coding change: c.833C>T on transcript NM_013336.4 (MANE Select); coding-DNA position 833, C replaced by T.
Protein change: p.Thr278Ile; replaces threonine 278 with isoleucine.
Molecular consequence: missense variant. On other transcripts: intron variant (1).
Genome position (GRCh38, 1-based): chr3:128,067,009, C>T. VCF-style: chr3-128067009-C-T. GRCh37 (hg19) VCF-style: chr3-127785852-C-T.
Other names: c.851C>T, p.Thr284Ile (NM_001400328.1); c.674C>T, p.Thr225Ile (NM_001400329.1); c.940-1789G>A (NM_001319086.1); short protein forms T284I, T225I, T278I.
Identifiers: ClinVar variation 1993475 (VCV001993475.4), dbSNP rs2473043311, ClinGen allele CA354399391.
Genomic context (GRCh38, chr3:128,067,009, plus strand): 5'-CTCAGGGCTTCCGAGTGGACCTGCCAATCAAGTCGGCCCGCTACCGTGGCCAGTACAACA[C>T]CTATCCCATCAAGCTCTTCTATACGTCCAACATCCCCATCATCCTGCAGTCTGCCCTGGT-3'
Protein context (NP_037468.1, residues 268-288): KSARYRGQYN[Thr278Ile]YPIKLFYTSN